The following is an entry in ClinVar:

ClinVar aggregate classification (germline): Uncertain significance (1 of 4 stars; one submission).

Submission:

Labcorp Genetics (formerly Invitae), Labcorp
Classification: Uncertain significance. Last evaluated: 2024-01-20. Review status: criteria provided, single submitter. Criteria: Invitae Variant Classification Sherloc (09022015). Collection method: clinical testing. Allele origin: germline.
Comment: This sequence change replaces lysine, which is basic and polar, with asparagine, which is neutral and polar, at codon 299 of the COL2A1 protein (p.Lys299Asn). This variant is not present in population databases (gnomAD no frequency). This variant has not been reported in the literature in individuals affected with COL2A1-related conditions. Advanced modeling of protein sequence and biophysical properties (such as structural, functional, and spatial information, amino acid conservation, physicochemical variation, residue mobility, and thermodynamic stability) has been performed at Invitae for this missense variant, however the output from this modeling did not meet the statistical confidence thresholds required to predict the impact of this variant on COL2A1 protein function. In summary, the available evidence is currently insufficient to determine the role of this variant in disease. Therefore, it has been classified as a Variant of Uncertain Significance.

NM_001844.5(COL2A1):c.897G>C (p.Lys299Asn)

Gene: COL2A1 (collagen type II alpha 1 chain; minus strand). Cytogenetic location: 12q13.11.
Variant type: single nucleotide variant.
Coding change: c.897G>C on transcript NM_001844.5 (MANE Select); coding-DNA position 897, G replaced by C.
Protein change: p.Lys299Asn; replaces lysine 299 with asparagine.
Molecular consequence: missense variant.
Genome position (GRCh38, 1-based): chr12:47,993,836, C>G on the plus strand (G>C on the coding strand, the complement: COL2A1 is on the minus strand). VCF-style: chr12-47993836-C-G. GRCh37 (hg19) VCF-style: chr12-48387619-C-G.
Other names: c.690G>C, p.Lys230Asn (NM_033150.3); short protein forms K230N, K299N.
Identifiers: ClinVar variation 2710456 (VCV002710456.3), dbSNP rs1592229736, ClinGen allele CA384521909.
Genomic context (GRCh38, chr12:47,993,836, plus strand): 5'-CTCCCCATCCCATTGTACTTTCTGGCCTCTCACCTTCACACCAGGAGCACCCGCCTCTCC[C>G]TTAGCACCGTCCAGGCCTGGATAACCCTAGGGAACAAGAGAAAATGTTCAATCAGACTTC-3'
Protein context (NP_001835.3, residues 289-309): HRGYPGLDGA[Lys299Asn]GEAGAPGVKG